The following is an entry in ClinVar:

NM_022455.5(NSD1):c.1216_1219del (p.Glu406fs)

Gene: NSD1 (nuclear receptor binding SET domain protein 1; plus strand). Cytogenetic location: 5q35.3.
Variant type: Microsatellite.
Coding change: c.1216_1219del on transcript NM_022455.5 (MANE Select); coding-DNA positions 1216 to 1219, 4 bases deleted (GAAA; older notation c.1216_1219delGAAA).
Protein change: p.Glu406fs; shifts the reading frame from glutamic acid 406.
Molecular consequence: frameshift variant.
Genome position (GRCh38, 1-based): chr5:177,204,272-177,204,275, GAAA deleted; deleting any 4 consecutive bases within chr5:177,204,267-177,204,275 gives the same sequence; the c. name uses the placement nearest the transcript's 3' end. VCF-style (leftmost placement, unchanged base first): chr5-177204266-CAGAA-C. GRCh37 (hg19) VCF-style: chr5-176631267-CAGAA-C.
Other names: c.1216_1219delGAAA (NM_022455.4); c.1212_1215GAAA[1], p.Glu406Lysfs (NM_001409301.1, NM_001409302.1, NM_001409303.1 and 1 more transcripts); c.339_342GAAA[1], p.Glu115Lysfs (NM_172349.5, NM_001365684.2, NM_001409306.1 and 3 more transcripts); c.792_795GAAA[1], p.Glu266Lysfs (NM_001409304.1); c.459_462GAAA[1], p.Glu155Lysfs (NM_001409305.1); short protein forms E137fs, E406fs.
Identifiers: ClinVar variation 1214278 (VCV001214278.3), dbSNP rs2149836382, ClinGen allele CA2580614800.

ClinVar aggregate classification (germline): Pathogenic (1 of 4 stars; one submission).

Submission:

GeneDx
Classification: Pathogenic. Last evaluated: 2019-08-17. Review status: criteria provided, single submitter. Criteria: GeneDx Variant Classification Process June 2021. Collection method: clinical testing. Allele origin: germline. Affected: yes.
Comment: Frameshift variant predicted to result in protein truncation or nonsense mediated decay in a gene for which loss-of-function is a known mechanism of disease; Not observed in large population cohorts (Lek et al., 2016); Has not been previously published as pathogenic or benign to our knowledge